The following is an entry in ClinVar:

NM_004960.4(FUS):c.676G>A (p.Gly226Ser)

Gene: FUS (FUS RNA binding protein; plus strand). Cytogenetic location: 16p11.2.
Variant type: single nucleotide variant.
Coding change: c.676G>A on transcript NM_004960.4 (MANE Select); coding-DNA position 676, G replaced by A.
Protein change: p.Gly226Ser; replaces glycine 226 with serine.
Molecular consequence: missense variant. On other transcripts: non-coding transcript variant (1).
Genome position (GRCh38, 1-based): chr16:31,185,091, G>A. VCF-style: chr16-31185091-G-A. GRCh37 (hg19) VCF-style: chr16-31196412-G-A.
Other names: c.673G>A, p.Gly225Ser (NM_001170634.1); c.664G>A, p.Gly222Ser (NM_001170937.1); short protein forms G226S, G222S, G225S.
Identifiers: ClinVar variation 804816 (VCV000804816.13), dbSNP rs758970940, ClinGen allele CA8023751.
Genomic context (GRCh38, chr16:31,185,091, plus strand): 5'-GGTGGCTATGGACAGCAGGACCGTGGAGGCCGCGGCAGGGGTGGCAGTGGTGGCGGCGGC[G>A]GCGGCGGCGGTGGTGGTTACAACCGCAGCAGTGGTGGCTATGAACCCAGAGGTCGTGGAG-3'
Protein context (NP_004951.1, residues 216-236): RGRGGSGGGG[Gly226Ser]GGGGGYNRSS

ClinVar aggregate classification (germline): Conflicting classifications of pathogenicity. Review status: criteria provided, conflicting classifications (1 of 4 stars). 3 submissions from 3 submitters: Uncertain significance (1); Likely benign (2). Last evaluated 2024-10-10.

Conditions:
Inborn genetic diseases. Identifiers: MedGen C0950123, MeSH D030342.
Tremor, hereditary essential, 4 (ETM4). Identifiers: MedGen C3539195, MONDO:0013888, OMIM 614782.
Amyotrophic lateral sclerosis type 6. Also called: Amyotrophic lateral sclerosis 6, with or without frontotemporal dementia; AMYOTROPHIC LATERAL SCLEROSIS 6 WITHOUT FRONTOTEMPORAL DEMENTIA; FUS-Related Amyotrophic Laterial Sclerosis. Identifiers: Orphanet 275872, Orphanet 803, MedGen C2931786, MONDO:0011951, OMIM 608030.

Allele frequency attached by ClinVar (database versions not stated): gnomAD 0.00004 and 0.00005; gnomAD exomes 0.00005 and 0.00010; ExAC 0.00007.
gnomAD v4.1: 156 of 1,605,928 alleles (0.0097%); highest among the groups gnomAD compares: Non-Finnish European, 0.012%; no homozygotes.

Submissions (3):

Labcorp Genetics (formerly Invitae), Labcorp
Classification: Uncertain significance for Tremor, hereditary essential, 4; Amyotrophic lateral sclerosis type 6. Last evaluated: 2024-10-10. Review status: criteria provided, single submitter. Criteria: Invitae Variant Classification Sherloc (09022015). Collection method: clinical testing. Allele origin: germline.
Comment: This sequence change replaces glycine, which is neutral and non-polar, with serine, which is neutral and polar, at codon 226 of the FUS protein (p.Gly226Ser). This variant is present in population databases (rs758970940, gnomAD 0.009%). This missense change has been observed in individual(s) with amyotrophic lateral sclerosis (PMID: 21261515). ClinVar contains an entry for this variant (Variation ID: 804816). Experimental studies and prediction algorithms are not available or were not evaluated, and the functional significance of this variant is currently unknown. In summary, the available evidence is currently insufficient to determine the role of this variant in disease. Therefore, it has been classified as a Variant of Uncertain Significance.

Ambry Genetics
Classification: Likely benign for Inborn genetic diseases. Last evaluated: 2020-06-24. Review status: criteria provided, single submitter. Criteria: Ambry Variant Classification Scheme 2023. Collection method: clinical testing. Allele origin: germline.

Athena Diagnostics
Classification: Likely benign. Last evaluated: 2018-09-12. Review status: criteria provided, single submitter. Criteria: Athena Diagnostics Criteria. Collection method: clinical testing. Allele origin: germline.

Literature cited by the submitters: PubMed 21261515 (cited by Labcorp Genetics (formerly Invitae), Labcorp and Athena Diagnostics); PubMed 19861302 (cited by Athena Diagnostics).